The following is an entry in ClinVar:

ClinVar aggregate classification (germline): Pathogenic (1 of 4 stars; one submission).

Conditions:
Polycystic kidney disease 4 (PKD4). Also called: POLYCYSTIC KIDNEY AND HEPATIC DISEASE 1; POLYCYSTIC KIDNEY DISEASE, INFANTILE, TYPE I; POLYCYSTIC KIDNEY DISEASE 4 WITH OR WITHOUT POLYCYSTIC LIVER DISEASE; PKD3; Autosomal Recessive Polycystic Kidney Disease – PKHD1. Identifiers: MedGen C4540575, MONDO:0033004, OMIM 263200.

Submission:

Myriad Genetics, Inc.
Classification: Pathogenic for Polycystic kidney disease 4. Last evaluated: 2024-03-02. Review status: criteria provided, single submitter. Criteria: Myriad Autosomal Dominant, Autosomal Recessive and X-Linked Classification Criteria (2023). Collection method: clinical testing. Allele origin: unknown.
Comment: NM_138694.3(PKHD1):c.8060delG(G2687Afs*10) is expected to be pathogenic in the context of autosomal recessive polycystic kidney disease, PKHD1-related. This variant is predicted to lead to an abnormal or absent protein product due to the creation of a premature termination codon in PKHD1, a gene where loss-of-function variants are known to be pathogenic. Please note: this variant was assessed in the context of healthy population screening.

NM_138694.4(PKHD1):c.8060del (p.Gly2687fs)

Gene: PKHD1 (PKHD1 ciliary IPT domain containing fibrocystin/polyductin; minus strand). Cytogenetic location: 6p12.2.
Variant type: Deletion.
Coding change: c.8060del on transcript NM_138694.4 (MANE Select); coding-DNA position 8060, one base deleted (G; older notation c.8060delG).
Protein change: p.Gly2687fs; shifts the reading frame from glycine 2687.
Molecular consequence: frameshift variant.
Genome position (GRCh38, 1-based): chr6:51,847,822, C deleted on the plus strand (G on the coding strand, the reverse complement: PKHD1 is on the minus strand); the first of 2 consecutive C bases (chr6:51,847,822-51,847,823); deleting either gives the same sequence. VCF-style (leftmost placement, unchanged base first): chr6-51847821-GC-G. GRCh37 (hg19) VCF-style: chr6-51712619-GC-G.
Other names: c.8060del, p.Gly2687fs (NM_170724.3); short protein forms G2687fs.
Identifiers: ClinVar variation 5012795 (VCV005012795.1).